The following is an entry in ClinVar:

NM_198334.3(GANAB):c.644_645del (p.Gln215fs)

Gene: GANAB (glucosidase II alpha subunit; minus strand). Cytogenetic location: 11q12.3.
Variant type: Deletion.
Coding change: c.644_645del on transcript NM_198334.3 (MANE Select); coding-DNA positions 644 to 645, 2 bases deleted (AG; older notation c.644_645delAG).
Protein change: p.Gln215fs; shifts the reading frame from glutamine 215.
Molecular consequence: frameshift variant. On other transcripts: 5 prime UTR variant (2).
Genome position (GRCh38, 1-based): chr11:62,633,257-62,633,258, CT deleted on the plus strand (AG on the coding strand, the reverse complement: GANAB is on the minus strand). VCF-style (leftmost placement, unchanged base first): chr11-62633256-CCT-C. GRCh37 (hg19) VCF-style: chr11-62400728-CCT-C.
Other names: c.368_369del, p.Gln123fs (NM_001278192.2); c.302_303del, p.Gln101fs (NM_001278193.2); c.353_354del, p.Gln118fs (NM_001278194.2, NM_001329222.2, NM_001329223.2); c.-80_-79del (NM_001329224.2, NM_001329225.2); c.710_711del, p.Gln237fs (NM_198335.4); short protein forms Q101fs, Q118fs, Q123fs, Q215fs, Q237fs.
Identifiers: ClinVar variation 2575052 (VCV002575052.3), dbSNP rs768502347, ClinGen allele CA6050981.

ClinVar aggregate classification (germline): Likely pathogenic. Review status: criteria provided, single submitter (1 of 4 stars). 2 submissions from 2 submitters: Likely pathogenic (1). 1 of the submissions does not count toward it. Last evaluated 2021-11-11.

Conditions:
Polycystic kidney disease 3 with or without polycystic liver disease. Also called: POLYCYSTIC KIDNEY DISEASE, ADULT, TYPE III; Polycystic kidney disease 3; Polycystic Kidney and/or Polycystic Liver Disease 3. Identifiers: MedGen C3887964, MONDO:0010916, OMIM 600666.

Allele frequency attached by ClinVar (database versions not stated): gnomAD 0.00001; gnomAD exomes below 0.00001; TOPMed below 0.00001; ExAC 0.00001.

Submissions (2):

Division Of Personalized Genomic Medicine, Columbia University Irving Medical Center
Classification: Likely pathogenic for Polycystic kidney disease 3 with or without polycystic liver disease. Last evaluated: 2021-11-11. Review status: criteria provided, single submitter. Criteria: ACMG Guidelines, 2015. Collection method: clinical testing. Allele origin: germline. Inheritance: Autosomal dominant inheritance. Observed: 1 heterozygote.
Comment: The c.710_711del variant is a two base pairs deletion at nucleotides 710 and 711 in exon 8 of 25 of the GANAB gene,predicted to result in the substitution of the glutamine at amino acid position 237 to an arginine and a reading frameshift causing premature termination of translation 7 amino acid residues downstream from the arginine.The following criteria was used in classifying this variant: The c.710_711del (p.Gln237ArgfsTer7) variant in the GANAB gene is a heterozygous frameshift/nonsense variant, resulting in a premature stop codon. This variant localizes to coding exon 8 of the gene (25 coding exons in total; NM_198335.4). This variant is expected to result in nonsense mediated decay. Loss-of-function variants in GANAB have been established to be pathogenic (PMID: 27259053). Several loss-of-function variants distal to this variant have been reported in the literature and in the ClinVar database. This variant is absent in the Genome Aggregation Database (gnomAD), indicating it is not a common benign variant in the populations represented in this database. To the best of our knowledge, this exact variant has not been described to be disease associated in literature.

Genomics And Bioinformatics Analysis Resource, Columbia University
Classification: Likely pathogenic for Polycystic kidney disease 3 with or without polycystic liver disease. Review status: no assertion criteria provided. Collection method: research. Allele origin: unknown. Affected: yes. Not counted in ClinVar's aggregate classification.

Literature cited by the submitters: PubMed 27259053 (cited by Division Of Personalized Genomic Medicine, Columbia University Irving Medical Center).